The following is an entry in ClinVar:

ClinVar aggregate classification (germline): Conflicting classifications of pathogenicity. Review status: criteria provided, conflicting classifications (1 of 4 stars). 6 submissions from 6 submitters: Likely pathogenic (1); Uncertain significance (4); Likely benign (1). Last evaluated 2026-01-31.

Conditions:
Mucopolysaccharidosis, MPS-II (MPS2). Also called: Attenuated MPS (subtype; formerly known as mild MPS II); Severe MPS II; I2S deficiency; MPS 2; IDS deficiency; Sulfoiduronate sulfatase deficiency. Identifiers: Orphanet 580, Orphanet 79388, MedGen C0026705, MONDO:0010674, OMIM 309900.

Allele frequency attached by ClinVar (database versions not stated): gnomAD 0.00001; gnomAD exomes 0.00001.
gnomAD v4.1: 9 of 1,209,710 alleles (0.00074%); highest among the groups gnomAD compares: Admixed American, 0.0022%; no homozygotes.

Submissions (6):

Labcorp Genetics (formerly Invitae), Labcorp
Classification: Likely benign for Mucopolysaccharidosis, MPS-II. Last evaluated: 2026-01-31. Review status: criteria provided, single submitter. Criteria: Invitae Variant Classification Sherloc (09022015). Collection method: clinical testing. Allele origin: germline.

Revvity Omics, Revvity
Classification: Uncertain significance for Mucopolysaccharidosis, MPS-II. Last evaluated: 2025-03-29. Review status: criteria provided, single submitter. Criteria: ACMG Guidelines, 2015. Collection method: clinical testing. Allele origin: germline.

GeneDx
Classification: Uncertain significance. Last evaluated: 2024-12-06. Review status: criteria provided, single submitter. Criteria: GeneDx Variant Classification Process June 2021. Collection method: clinical testing. Allele origin: germline. Affected: yes.
Comment: In silico analysis supports that this missense variant has a deleterious effect on protein structure/function; This variant is associated with the following publications: (PMID: 36907694, 38909121, 36980980)

Women's Health and Genetics/Laboratory Corporation of America, LabCorp
Classification: Uncertain significance. Last evaluated: 2024-09-20. Review status: criteria provided, single submitter. Criteria: LabCorp Variant Classification Summary - May 2015. Collection method: clinical testing. Allele origin: germline.
Comment: Variant summary: IDS c.1477C>T (p.Arg493Cys) results in a non-conservative amino acid change in the encoded protein sequence. Five of five in-silico tools predict a damaging effect of the variant on protein function. The variant allele was found at a frequency of 7.4e-06 in 1209710 control chromosomes, including 3 hemizygotes. The available data on variant occurrences in the general population are insufficient to allow any conclusion about variant significance. These reports do not provide unequivocal conclusions about association of the variant with Mucopolysaccharidosis Type II (Hunter Syndrome). To our knowledge, no experimental evidence demonstrating an impact on protein function has been reported. The following publications have been ascertained in the context of this evaluation (PMID: 36907694, 36980980). ClinVar contains an entry for this variant (Variation ID: 1404345). Based on the evidence outlined above, the variant was classified as uncertain significance.

Genetics Laboratory, UDIAT-Centre Diagnòstic, Hospital Universitari Parc Tauli
Classification: Likely pathogenic for Mucopolysaccharidosis, MPS-II. Last evaluated: 2022-10-04. Review status: criteria provided, single submitter. Criteria: Parc Tauli Hospital Assertion Criteria 2021. Collection method: clinical testing. Allele origin: unknown. Inheritance: X-linked inheritance. Affected: yes.
Comment: PM1;PM2_supporting;PM5;PP3

Neuberg Centre For Genomic Medicine, NCGM
Classification: Uncertain significance for Mucopolysaccharidosis, MPS-II. Review status: criteria provided, single submitter. Criteria: ACMG Guidelines, 2015. Collection method: clinical testing. Allele origin: germline. Inheritance: X-linked recessive inheritance. Affected: yes.
Comment: The missense c.1477C>T (p.Arg493Cys) variant in IDS gene has not been reported previously as a pathogenic variant nor as a benign variant, to our knowledge. Another missense variant in the same residue (c.1478G>A|p.R493H; c.1478G>C|p.R493P) was identified in patient affected with Mucopolysaccharidosis (Lin HY et al. 2019; Chuang CK et al. 2018). The p.Arg493Cys variant is present with allele frequency of 0.0005% in gnomAD Exomes. This variant has been submitted to the ClinVar database as Likely Pathogenic / Uncertain Significance. Multiple lines of computational evidence (Polyphen - Probably damaging, SIFT – Damaging and Mutation Taster - Disease causing) predict a damaging effect on protein structure and function for this variant. The reference amino acid at this position on IDS gene is predicted as conserved by GERP++ and PhyloP across 100 vertebrates. The amino acid Arg at position 493 is changed to a Cys changing protein sequence and it might alter its composition and physico-chemical properties. Functional studies are required to prove the pathogenicity for the variant, for these reasons, this variant has been classified as Variant of Uncertain Significance (VUS).

Literature cited by the submitters: PubMed 36907694 (cited by Women's Health and Genetics/Laboratory Corporation of America, LabCorp); PubMed 36980980 (cited by Women's Health and Genetics/Laboratory Corporation of America, LabCorp).

NM_000202.8(IDS):c.1477C>T (p.Arg493Cys)

Gene: IDS (iduronate 2-sulfatase; minus strand). Cytogenetic location: Xq28.
Variant type: single nucleotide variant.
Coding change: c.1477C>T on transcript NM_000202.8 (MANE Select); coding-DNA position 1477, C replaced by T.
Protein change: p.Arg493Cys; replaces arginine 493 with cysteine.
Molecular consequence: missense variant.
Genome position (GRCh38, 1-based): chrX:149,482,922, G>A on the plus strand (C>T on the coding strand, the complement: IDS is on the minus strand). VCF-style: chrX-149482922-G-A. GRCh37 (hg19) VCF-style: chrX-148564453-G-A.
Other names: c.1477C>T (NM_000202.4); c.1207C>T, p.Arg403Cys (NM_001166550.4); short protein forms R403C, R493C.
Identifiers: ClinVar variation 1404345 (VCV001404345.14), dbSNP rs782190885, ClinGen allele CA337035525.